The following is an entry in ClinVar:

NM_006642.5(SDCCAG8):c.201A>C (p.Glu67Asp)

Gene: SDCCAG8 (SHH signaling and ciliogenesis regulator SDCCAG8; plus strand). Cytogenetic location: 1q43.
Variant type: single nucleotide variant.
Coding change: c.201A>C on transcript NM_006642.5 (MANE Select); coding-DNA position 201, A replaced by C.
Protein change: p.Glu67Asp; replaces glutamic acid 67 with aspartic acid.
Molecular consequence: missense variant. On other transcripts: 5 prime UTR variant (4).
Genome position (GRCh38, 1-based): chr1:243,270,238, A>C. VCF-style: chr1-243270238-A-C. GRCh37 (hg19) VCF-style: chr1-243433540-A-C.
Other names: c.-912A>C (NM_001350246.2); c.-800A>C (NM_001350247.2); c.201A>C, p.Glu67Asp (NM_001350248.2); c.-94A>C (NM_001350249.2); c.-1173A>C (NM_001350251.2); short protein forms E67D.
Identifiers: ClinVar variation 4978696 (VCV004978696.1).

ClinVar aggregate classification (germline): Uncertain significance (1 of 4 stars; one submission).

Conditions:
SDCCAG8-related disorder. Also called: SDCCAG8-related condition; SDCCAG8-Related Disorders.

gnomAD v4.1: 11 of 1,614,182 alleles (0.00068%); highest among the groups gnomAD compares: Non-Finnish European, 0.00085%; no homozygotes.

Submission:

PreventionGenetics, part of Exact Sciences
Classification: Uncertain significance for SDCCAG8-related condition. Last evaluated: 2026-08-19. Review status: criteria provided, single submitter. Criteria: ACMG Guidelines, 2015. Collection method: clinical testing. Allele origin: germline.
Comment: The SDCCAG8 c.201A>C variant is predicted to result in the amino acid substitution p.Glu67Asp. To our knowledge, this variant has not been reported in the literature or in a large population database (gnomAD), indicating this variant is rare. At this time, the clinical significance of this variant is uncertain due to the absence of conclusive functional and genetic evidence.